The following is an entry in ClinVar:

NM_000540.3(RYR1):c.6250C>T (p.Arg2084Trp)

Gene: RYR1 (ryanodine receptor 1; plus strand). Cytogenetic location: 19q13.2.
Variant type: single nucleotide variant.
Coding change: c.6250C>T on transcript NM_000540.3 (MANE Select); coding-DNA position 6250, C replaced by T.
Protein change: p.Arg2084Trp; replaces arginine 2084 with tryptophan.
Molecular consequence: missense variant.
Genome position (GRCh38, 1-based): chr19:38,492,612, C>T. VCF-style: chr19-38492612-C-T. GRCh37 (hg19) VCF-style: chr19-38983252-C-T.
Other names: c.6250C>T, p.Arg2084Trp (NM_001042723.2); short protein forms R2084W.
Identifiers: ClinVar variation 3777361 (VCV003777361.2).

ClinVar aggregate classification (germline): Uncertain significance. Review status: criteria provided, multiple submitters, no conflicts (2 of 4 stars). 2 submissions from 2 submitters: Uncertain significance (2). Last evaluated 2025-03-07.

Conditions:
Inborn genetic diseases. Identifiers: MedGen C0950123, MeSH D030342.

gnomAD v4.1: 14 of 1,488,344 alleles (0.00094%); highest among the groups gnomAD compares: South Asian, 0.0034%; no homozygotes.

Submissions (2):

Ambry Genetics
Classification: Uncertain significance for Inborn genetic diseases. Last evaluated: 2025-03-07. Review status: criteria provided, single submitter. Criteria: Ambry Variant Classification Scheme 2023. Collection method: clinical testing. Allele origin: germline.

GeneDx
Classification: Uncertain significance. Last evaluated: 2024-10-06. Review status: criteria provided, single submitter. Criteria: GeneDx Variant Classification Process June 2021. Collection method: clinical testing. Allele origin: germline. Affected: yes.
Comment: Not observed at significant frequency in large population cohorts (gnomAD); In silico analysis indicates that this missense variant does not alter protein structure/function; Has not been previously published as pathogenic or benign to our knowledge